The following is an entry in ClinVar:

NM_000059.4(BRCA2):c.7592_7595delinsCAGTAGGAGG (p.Val2531_Pro2532delinsAlaValGlyGly)

Gene: BRCA2 (BRCA2 DNA repair associated; plus strand). Cytogenetic location: 13q13.1.
Variant type: Indel.
Coding change: c.7592_7595delinsCAGTAGGAGG on transcript NM_000059.4 (MANE Select); coding-DNA positions 7592 to 7595, TTCC replaced by CAGTAGGAGG.
Protein change: p.Val2531_Pro2532delinsAlaValGlyGly.
Molecular consequence: inframe indel.
Genome position (GRCh38, 1-based): chr13:32,356,584-32,356,587, TTCC replaced by CAGTAGGAGG. VCF-style: chr13-32356584-TTCC-CAGTAGGAGG. GRCh37 (hg19) VCF-style: chr13-32930721-TTCC-CAGTAGGAGG.
Identifiers: ClinVar variation 827139 (VCV000827139.5), dbSNP rs1593919891, ClinGen allele CA915946872.

ClinVar aggregate classification (germline): Uncertain significance (1 of 4 stars; one submission).

Conditions:
Hereditary cancer-predisposing syndrome. Also called: Neoplastic Syndromes, Hereditary; Tumor predisposition; Hereditary neoplastic syndrome; Hereditary Cancer Syndrome. Identifiers: Orphanet 140162, MedGen C0027672, MeSH D009386, MONDO:0015356.

Submission:

Ambry Genetics
Classification: Uncertain significance for Hereditary cancer-predisposing syndrome. Last evaluated: 2023-01-31. Review status: criteria provided, single submitter. Criteria: Ambry Variant Classification Scheme 2023. Collection method: clinical testing. Allele origin: germline.
Comment: The c.7592_7595delTTCCins10 (also known as p.V2531_P2532delinsAVGG) variant, located in coding exon 14 of the BRCA2 gene, results from an in-frame deletion of TTCC and insertion of of 10 nucleotides (CAGTAGGAGG) at nucleotide positions 7592 to 7595. This results in the deletion of the valine and proline residues and insertion of 4 amino acids (AVGG) between codons 2531 and 2532. This amino acid region is generally well conserved in available vertebrate species. In addition, this alteration is predicted to be deleterious by in silico analysis (Choi Y et al. PLoS ONE. 2012; 7(10):e46688). Since supporting evidence is limited at this time, the clinical significance of this alteration remains unclear.